The following is an entry in ClinVar:

NM_001378974.1(FBXW11):c.1403G>A (p.Arg468Gln)

Gene: FBXW11 (F-box and WD repeat domain containing 11; minus strand). Cytogenetic location: 5q35.1.
Variant type: single nucleotide variant.
Coding change: c.1403G>A on transcript NM_001378974.1 (MANE Select); coding-DNA position 1403, G replaced by A.
Protein change: p.Arg468Gln; replaces arginine 468 with glutamine.
Molecular consequence: missense variant.
Genome position (GRCh38, 1-based): chr5:171,870,796, C>T on the plus strand (G>A on the coding strand, the complement: FBXW11 is on the minus strand). VCF-style: chr5-171870796-C-T. GRCh37 (hg19) VCF-style: chr5-171297800-C-T.
Other names: c.1334G>A, p.Arg445Gln (NM_001378975.1); c.1307G>A, p.Arg436Gln (NM_001378976.1); c.1244G>A, p.Arg415Gln (NM_001378977.1, NM_001378978.1, NM_001378979.1); c.1238G>A, p.Arg413Gln (NM_001378980.1, NM_033645.3); c.1340G>A, p.Arg447Gln (NM_012300.3); c.1301G>A, p.Arg434Gln (NM_033644.3); c.1340G>A (NM_012300.2); short protein forms R413Q, R415Q, R434Q, R436Q, R445Q, R447Q, R468Q.
Identifiers: ClinVar variation 1064511 (VCV001064511.3), dbSNP rs1757708758, ClinGen allele CA362212974.
Genomic context (GRCh38, chr5:171,870,796, plus strand): 5'-TGAAAGACATACCCATCATAGGCCCCACTGACAATCCTCTTGTTATCAAACCGGATGCAT[C>T]GGACCAATTCTTCATGTCCCTCTAGGACTCTTAAACAGGCACCACATTCAATATCCCAGA-3'
Protein context (NP_001365903.1, residues 458-478): RVLEGHEELV[Arg468Gln]CIRFDNKRIV

ClinVar aggregate classification (germline): Pathogenic/Likely pathogenic. Review status: criteria provided, multiple submitters, no conflicts (2 of 4 stars). 3 submissions from 3 submitters: Pathogenic (2); Likely pathogenic (1). Last evaluated 2024-07-01.

Conditions:
Neurodevelopmental, jaw, eye, and digital syndrome (NEDJED). Identifiers: MedGen C5394477, MONDO:0030057, OMIM 618914.

Allele frequency attached by ClinVar (database versions not stated): TOPMed below 0.00001.

Submissions (3):

Greenwood Genetic Center Diagnostic Laboratories, Greenwood Genetic Center
Classification: Pathogenic for Neurodevelopmental, jaw, eye, and digital syndrome. Last evaluated: 2024-07-01. Review status: criteria provided, single submitter. Criteria: ACMG Guidelines, 2015. Collection method: clinical testing. Allele origin: germline. Affected: yes.
Comment: PS2, PM1, PM2, PM5, PP2, PP3

GeneDx
Classification: Pathogenic. Last evaluated: 2023-09-30. Review status: criteria provided, single submitter. Criteria: GeneDx Variant Classification Process June 2021. Collection method: clinical testing. Allele origin: germline. Affected: yes.
Comment: Not observed at significant frequency in large population cohorts (gnomAD); In silico analysis supports that this missense variant has a deleterious effect on protein structure/function; A different likely pathogenic missense change at this residue (p.R447L) has been reported in the published literature in association with FBXW11-related neurodevelopmental disorder; This variant is associated with the following publications: (PMID: 31402090)

SIB Swiss Institute of Bioinformatics
Classification: Likely pathogenic for Neurodevelopmental, jaw, eye, and digital syndrome. Last evaluated: 2021-04-13. Review status: criteria provided, single submitter. Criteria: ACMG Guidelines, 2015. Collection method: curation. Allele origin: unknown.
Comment: This variant is interpreted as likely pathogenic for Neurodevelopmental, jaw, eye, and digital syndrome, autosomal dominant. The following ACMG Tag(s) were applied: Absent from controls (or at extremely low frequency if recessive) in Exome Sequencing Project, 1000 Genomes Project, or Exome Aggregation Consortium (PM2); De novo (paternity and maternity confirmed) (PS2 downgraded to moderate); Multiple lines of computational evidence support a deleterious effect on the gene or gene product (PP3); Missense variant in a gene that has a low rate of benign missense variation and in which missense variants are a common mechanism of disease (PP2).

Literature cited by the submitters: PubMed 31402090 (cited by SIB Swiss Institute of Bioinformatics).